The following is an entry in ClinVar:

NM_001942.4(DSG1):c.692G>A (p.Gly231Asp)

Gene: DSG1 (desmoglein 1; plus strand). Cytogenetic location: 18q12.1.
Variant type: single nucleotide variant.
Coding change: c.692G>A on transcript NM_001942.4 (MANE Select); coding-DNA position 692, G replaced by A.
Protein change: p.Gly231Asp; replaces glycine 231 with aspartic acid.
Molecular consequence: missense variant.
Genome position (GRCh38, 1-based): chr18:31,333,596, G>A. VCF-style: chr18-31333596-G-A. GRCh37 (hg19) VCF-style: chr18-28913559-G-A.
Other names: short protein forms G231D.
Identifiers: ClinVar variation 2070122 (VCV002070122.4), dbSNP rs201719724, ClinGen allele CA297694216.
Genomic context (GRCh38, chr18:31,333,596, plus strand): 5'-AAGTAAAGGCTGTCTACGTCAAGTGTGATATTGCCTGTAATATGTATTTTTAGCAATACG[G>A]CCAGTATGCTCTTGCTGTAAGAGGCTCTGACCGAGATGGCGGGGCAGATGGCATGTCAGC-3'
Protein context (NP_001933.2, residues 221-241): MNNFLDREQY[Gly231Asp]QYALAVRGSD

ClinVar aggregate classification (germline): Uncertain significance (1 of 4 stars; one submission).

Allele frequency attached by ClinVar (database versions not stated): 1000 Genomes Project 0.00060; gnomAD 0.00004; 1000 Genomes Project 30x 0.00047.
gnomAD v4.1: 7 of 1,613,794 alleles (0.00043%); highest among the groups gnomAD compares: African/African-American, 0.0093%; 1 homozygote.

Submission:

Labcorp Genetics (formerly Invitae), Labcorp
Classification: Uncertain significance. Last evaluated: 2024-03-11. Review status: criteria provided, single submitter. Criteria: Invitae Variant Classification Sherloc (09022015). Collection method: clinical testing. Allele origin: germline.
Comment: This sequence change replaces glycine, which is neutral and non-polar, with aspartic acid, which is acidic and polar, at codon 231 of the DSG1 protein (p.Gly231Asp). This variant is present in population databases (rs201719724, gnomAD 0.02%), including at least one homozygous and/or hemizygous individual. This variant has not been reported in the literature in individuals affected with DSG1-related conditions. ClinVar contains an entry for this variant (Variation ID: 2070122). Advanced modeling of protein sequence and biophysical properties (such as structural, functional, and spatial information, amino acid conservation, physicochemical variation, residue mobility, and thermodynamic stability) performed at Invitae indicates that this missense variant is not expected to disrupt DSG1 protein function with a negative predictive value of 80%. In summary, the available evidence is currently insufficient to determine the role of this variant in disease. Therefore, it has been classified as a Variant of Uncertain Significance.